The following is an entry in ClinVar:

NM_006846.4(SPINK5):c.182A>G (p.Asn61Ser)

Gene: SPINK5 (serine peptidase inhibitor Kazal type 5; plus strand). Cytogenetic location: 5q32.
Variant type: single nucleotide variant.
Coding change: c.182A>G on transcript NM_006846.4 (MANE Select); coding-DNA position 182, A replaced by G.
Protein change: p.Asn61Ser; replaces asparagine 61 with serine.
Molecular consequence: missense variant.
Genome position (GRCh38, 1-based): chr5:148,070,423, A>G. VCF-style: chr5-148070423-A-G. GRCh37 (hg19) VCF-style: chr5-147449986-A-G.
Other names: c.182A>G, p.Asn61Ser (NM_001127698.2, NM_001127699.2); short protein forms N61S.
Identifiers: ClinVar variation 940532 (VCV000940532.8), dbSNP rs377031902, ClinGen allele CA3495123.

ClinVar aggregate classification (germline): Uncertain significance (1 of 4 stars; one submission).

Conditions:
Ichthyosis linearis circumflexa. Identifiers: MedGen C0265962, MONDO:0043106, HP:0025810.

Allele frequency attached by ClinVar (database versions not stated): gnomAD 0.00002; gnomAD exomes 0.00002 and 0.00006; ExAC 0.00003; TOPMed 0.00003; ESP Exome Variant Server 0.00008.
gnomAD v4.1: 82 of 1,612,688 alleles (0.0051%); highest among the groups gnomAD compares: Non-Finnish European, 0.007%; no homozygotes.

Submission:

Labcorp Genetics (formerly Invitae), Labcorp
Classification: Uncertain significance for Ichthyosis linearis circumflexa. Last evaluated: 2025-12-22. Review status: criteria provided, single submitter. Criteria: Invitae Variant Classification Sherloc (09022015). Collection method: clinical testing. Allele origin: germline.
Comment: This sequence change replaces asparagine, which is neutral and polar, with serine, which is neutral and polar, at codon 61 of the SPINK5 protein (p.Asn61Ser). This variant is present in population databases (rs377031902, gnomAD 0.005%). This variant has not been reported in the literature in individuals affected with SPINK5-related conditions. ClinVar contains an entry for this variant (Variation ID: 940532). An algorithm developed to predict the effect of missense changes on protein structure and function outputs the following: PolyPhen-2: "Benign". The serine amino acid residue is found in multiple mammalian species, which suggests that this missense change does not adversely affect protein function. In summary, the available evidence is currently insufficient to determine the role of this variant in disease. Therefore, it has been classified as a Variant of Uncertain Significance.